The following is an entry in ClinVar:

ClinVar aggregate classification (germline): Pathogenic (1 of 4 stars; one submission).

Conditions:
Hereditary breast ovarian cancer syndrome. Also called: Hereditary breast and ovarian cancer syndrome; Hereditary breast and/or ovarian cancer syndrome; Hereditary breast and ovarian cancer syndrome (HBOC); Hereditary breast and ovarian cancer; Breast and ovarian cancer; BRCA1- and BRCA2-Associated Hereditary Breast and Ovarian Cancer. Identifiers: Orphanet 145, MedGen C0677776, MeSH D061325, MONDO:0003582. Disease mechanism: loss of function.

Submission:

Women's Health and Genetics/Laboratory Corporation of America, LabCorp
Classification: Pathogenic for Hereditary breast and ovarian cancer syndrome. Last evaluated: 2020-09-30. Review status: criteria provided, single submitter. Criteria: LabCorp Variant Classification Summary - May 2015. Collection method: clinical testing. Allele origin: germline.
Comment: Variant summary: The variant identified by MLPA or other technology involves the deletion of exons 13 in the BRCA1 gene. A presumed nomenclature of c.(4357+1_4358-1)_(4484+1_4485-1)del has been designated for the purposes of this classification. Although exact breakpoints of this deletion are not known, it is expected to result in a frameshift deletion change in the BRCA1 gene, a known mechanism of disease. The variant was absent in 21690 control chromosomes (gnomAD, Structural Variants dataset). Deletion of exon 13 has been reported in the literature in two HBOC families, in which it co-segregated with disease (de la Hoya_2006), and was also found in individuals affected with breast cancer and/or ovarian cancer (Walsh_2011, Rebbeck_2018, Santonocito_2020). One reputable clinical database (UMD) has reported this variant in three individuals undergoing BRCA1/2 testing and has classified it as causal. These data indicate that the variant is very likely to be associated with disease. To our knowledge, no experimental evidence demonstrating an impact on protein function has been reported. One ClinVar submitter (an expert panel, ENIGMA) (evaluation after 2014) cites the variant as pathogenic. Based on the evidence outlined above, the variant was classified as pathogenic.

Literature cited by the submitters: PubMed 22006311; PubMed 16793929; PubMed 20232141; PubMed 29446198; PubMed 32438681.

NC_000017.11:g.(43074522_43076487)_(43076615_43082403)del

Gene: BRCA1 (BRCA1 DNA repair associated; minus strand). Cytogenetic location: 17q21.31.
Variant type: Deletion.
Identifiers: ClinVar variation 982003 (VCV000982003.1).